The following is an entry in ClinVar:

ClinVar aggregate classification (germline): Uncertain significance. Review status: criteria provided, multiple submitters, no conflicts (2 of 4 stars). 3 submissions from 3 submitters: Uncertain significance (3). Last evaluated 2025-03-28.

Conditions:
Inborn genetic diseases. Identifiers: MedGen C0950123, MeSH D030342.
Junctional epidermolysis bullosa, non-Herlitz type. Also called: EPIDERMOLYSIS BULLOSA JUNCTIONALIS, DISENTIS TYPE; EPIDERMOLYSIS BULLOSA JUNCTIONALIS, NON-HERLITZ TYPE; EPIDERMOLYSIS BULLOSA JUNCTIONALIS, PROGRESSIVE; EPIDERMOLYSIS BULLOSA JUNCTIONALIS, SEVERE NONLETHAL; Adult junctional epidermolysis bullosa; COL17A1-Related Junctional Epidermolysis Bullosa. Identifiers: Orphanet 251393, Orphanet 79402, Orphanet 79405, Orphanet 89840, MedGen C0268374, MONDO:0009180, OMIM 226650.
Junctional epidermolysis bullosa with pyloric atresia. Also called: APLASIA CUTIS CONGENITA WITH GASTROINTESTINAL ATRESIA; CARMI SYNDROME; EB-PA-ACC; ITGB4-Related Epidermolysis Bullosa with Pyloric Atresia; EPIDERMOLYSIS BULLOSA, JUNCTIONAL 5B, WITH PYLORIC ATRESIA; Epidermolysis bullosa, junctional, with pyloric atresia and aplasia cutis congenita. Identifiers: Orphanet 79403, MedGen C5676875, MONDO:0009183, OMIM 226730.
Epidermolysis bullosa, junctional 5A, intermediate. Also called: EPIDERMOLYSIS BULLOSA, JUNCTIONAL 5A, GENERALIZED INTERMEDIATE; EPIDERMOLYSIS BULLOSA, JUNCTIONAL 5A, NON-HERLITZ TYPE. Identifiers: MedGen C5676956, MONDO:0030768, OMIM 619816.

Allele frequency attached by ClinVar (database versions not stated): gnomAD 0.00002 and 0.00003; TOPMed 0.00003; ExAC 0.00005; gnomAD exomes 0.00007 and 0.00003.
gnomAD v4.1: 49 of 1,609,306 alleles (0.003%); highest among the groups gnomAD compares: East Asian, 0.022%; no homozygotes.

Submissions (3):

Ambry Genetics
Classification: Uncertain significance for Inborn genetic diseases. Last evaluated: 2025-03-28. Review status: criteria provided, single submitter. Criteria: Ambry Variant Classification Scheme 2023. Collection method: clinical testing. Allele origin: germline.

Fulgent Genetics
Classification: Uncertain significance for Junctional epidermolysis bullosa with pyloric atresia; Epidermolysis bullosa, junctional 5A, intermediate. Last evaluated: 2022-04-17. Review status: criteria provided, single submitter. Criteria: ACMG Guidelines, 2015. Collection method: clinical testing. Allele origin: unknown.

Diagnostics Services (NGS), CSIR - Centre For Cellular And Molecular Biology
Classification: Uncertain significance for Junctional epidermolysis bullosa with pyloric atresia; Junctional epidermolysis bullosa, non-Herlitz type. Last evaluated: 2021-06-01. Review status: criteria provided, single submitter. Criteria: ACMG Guidelines, 2015. Collection method: clinical testing. Allele origin: unknown. Inheritance: Autosomal recessive inheritance. Affected: no. Observed: 1 variant allele, 1 heterozygote.
Comment: The c.4664G>A variant is not present in publicly available population databases like 1000 Genomes and Exome Variant Server (EVS). The heterozygous state of the variant is present in Exome Aggregation Consortium (ExAC), Genome Aggregation Database (gnomAD), dbSNP and Indian Exome Database [Kausthubham et al. Hum Mutat, 2021] at a low frequency. The variant is not present in our in-house exome database. The variant was not earlier reported to ClinVar, Human Genome Mutation database and OMIM databases in any affected individuals. In-silico pathogenicity prediction programs like SIFT, PolyPhen-3, MutationTaster2, CADD etc. predicted this variant to be not likely disease causing, however these predictions were not confirmed by any established functional studies. Due to lack of enough evidence the variant has been classified as uncertain significance.

NM_000213.5(ITGB4):c.4664G>A (p.Arg1555Gln)

Genes: GALK1 (galactokinase 1; minus strand), ITGB4 (integrin subunit beta 4; plus strand). Cytogenetic location: 17q25.1.
Variant type: single nucleotide variant.
Coding change: c.4664G>A on transcript NM_000213.5 (MANE Select); coding-DNA position 4664, G replaced by A.
Protein change: p.Arg1555Gln; replaces arginine 1555 with glutamine.
Molecular consequence: missense variant. On other transcripts: intron variant (2).
Genome position (GRCh38, 1-based): chr17:75,755,806, G>A. VCF-style: chr17-75755806-G-A. GRCh37 (hg19) VCF-style: chr17-73751887-G-A.
Other names: c.4613G>A, p.Arg1538Gln (NM_001005619.2); c.4454G>A, p.Arg1485Gln (NM_001005731.3, NM_001321123.2); c.4349-623G>A (NM_001438834.1); c.*22+2228C>T (NM_001381985.1); c.4454G>A (NM_001005731.1); short protein forms R1485Q, R1538Q, R1555Q.
Identifiers: ClinVar variation 1173102 (VCV001173102.10), dbSNP rs766336707, ClinGen allele CA8770268.